The following is an entry in ClinVar:

NM_000340.2(SLC2A2):c.776-15C>T

Gene: SLC2A2 (solute carrier family 2 member 2; minus strand). Cytogenetic location: 3q26.2.
Variant type: single nucleotide variant.
Coding change: c.776-15C>T on transcript NM_000340.2 (MANE Select); 15 bases into the intron before coding-DNA position 776, C replaced by T.
Molecular consequence: intron variant.
Genome position (GRCh38, 1-based): chr3:171,005,487, G>A on the plus strand (C>T on the coding strand, the complement: SLC2A2 is on the minus strand). VCF-style: chr3-171005487-G-A. GRCh37 (hg19) VCF-style: chr3-170723276-G-A.
Other names: c.419-15C>T (NM_001278658.2); c.257-15C>T (NM_001278659.2).
Identifiers: ClinVar variation 255900 (VCV000255900.21), dbSNP rs5406, ClinGen allele CA2702577.

ClinVar aggregate classification (germline): Benign. Review status: criteria provided, multiple submitters, no conflicts (2 of 4 stars). 8 submissions from 8 submitters: Benign (7). 1 of the submissions does not count toward it. Last evaluated 2026-02-04.

Conditions:
Fanconi-Bickel syndrome (FBS). Also called: Glycogen storage disease due to GLUT2 deficiency; PSEUDO-PHLORIZIN DIABETES; FANCONI SYNDROME WITH INTESTINAL MALABSORPTION AND GALACTOSE INTOLERANCE; HEPATIC GLYCOGENOSIS WITH AMINO ACIDURIA AND GLUCOSURIA; HEPATIC GLYCOGENOSIS WITH FANCONI NEPHROPATHY; HEPATORENAL GLYCOGENOSIS WITH RENAL FANCONI SYNDROME. Identifiers: Orphanet 2088, MedGen C3495427, MONDO:0009216, OMIM 227810.
Type 2 diabetes mellitus. Also called: Type II diabetes mellitus. Identifiers: MedGen C0011860, MeSH D003924, MONDO:0005148, OMIM 125853, HP:0005978.

Allele frequency attached by ClinVar (database versions not stated): gnomAD exomes 0.13225 and 0.14237; ExAC 0.15014; 1000 Genomes Project 0.19928; gnomAD 0.20870 and 0.21500; 1000 Genomes Project 30x 0.21159; TOPMed 0.21694; ESP Exome Variant Server 0.22197.
gnomAD v4.1: 224,437 of 1,605,918 alleles (14%); highest among the groups gnomAD compares: African/African-American, 41%; 19,290 homozygotes.

Submissions (8):

Labcorp Genetics (formerly Invitae), Labcorp
Classification: Benign for Fanconi-Bickel syndrome. Last evaluated: 2026-02-04. Review status: criteria provided, single submitter. Criteria: Invitae Variant Classification Sherloc (09022015). Collection method: clinical testing. Allele origin: germline.

Blueprint Genetics
Classification: Benign. Last evaluated: 2024-11-26. Review status: criteria provided, single submitter. Criteria: ACMG Guidelines, 2015. Collection method: clinical testing. Allele origin: germline.

Illumina Laboratory Services, Illumina
Classification: Benign for Fanconi-Bickel syndrome. Last evaluated: 2018-01-13. Review status: criteria provided, single submitter. Criteria: ICSL Variant Classification Criteria 13 December 2019. Collection method: clinical testing. Allele origin: germline.
Comment: This variant was observed in the ICSL laboratory as part of a predisposition screen in an ostensibly healthy population. It had not been previously curated by ICSL or reported in the Human Gene Mutation Database (HGMD: prior to June 1st, 2018), and was therefore a candidate for classification through an automated scoring system. Utilizing variant allele frequency, disease prevalence and penetrance estimates, and inheritance mode, an automated score was calculated to assess if this variant is too frequent to cause the disease. Based on the score and internal cut-off values, a variant classified as benign is not then subjected to further curation. The score for this variant resulted in a classification of benign for this disease.

GeneDx
Classification: Benign. Last evaluated: 2015-12-04. Review status: criteria provided, single submitter. Criteria: GeneDx Variant Classification (06012015). Collection method: clinical testing. Allele origin: germline. Affected: yes.
Comment: This variant is considered likely benign or benign based on one or more of the following criteria: it is a conservative change, it occurs at a poorly conserved position in the protein, it is predicted to be benign by multiple in silico algorithms, and/or has population frequency not consistent with disease.

Breakthrough Genomics
Classification: Benign. Review status: criteria provided, single submitter. Criteria: ACMG Guidelines, 2015. Collection method: not provided. Allele origin: germline. Inheritance: Autosomal recessive inheritance. Affected: yes.

Clinical Genomics, Uppaluri K&H Personalized Medicine Clinic
Classification: Benign for Type 2 diabetes mellitus. Review status: criteria provided, single submitter. Criteria: K&H Uppaluri Personalized Medicine Clinic Variant Classification & Assertion Criteria. Collection method: research. Allele origin: somatic. Inheritance: Autosomal dominant inheritance. Affected: yes.
Comment: SLC2A2-rs5406 plays a role in occurence of T2DM. Its associated with neonatal diabetes, glycogen accumulation in liver leading to hepatomegaly.

PreventionGenetics, part of Exact Sciences
Classification: Benign. Review status: criteria provided, single submitter. Criteria: ACMG Guidelines, 2015. Collection method: clinical testing. Allele origin: germline.

Mayo Clinic Laboratories, Mayo Clinic
Classification: Benign. Last evaluated: 2015-10-22. Review status: no assertion criteria provided. Collection method: clinical testing. Allele origin: unknown. Not counted in ClinVar's aggregate classification.

Literature cited by the submitters: PubMed 26495765 (cited by Clinical Genomics, Uppaluri K&H Personalized Medicine Clinic).